The following is an entry in ClinVar:

NM_152383.5(DIS3L2):c.641C>A (p.Thr214Asn)

Gene: DIS3L2 (DIS3 like 3'-5' exoribonuclease 2; plus strand). Cytogenetic location: 2q37.1.
Variant type: single nucleotide variant.
Coding change: c.641C>A on transcript NM_152383.5 (MANE Select); coding-DNA position 641, C replaced by A.
Protein change: p.Thr214Asn; replaces threonine 214 with asparagine.
Molecular consequence: missense variant. On other transcripts: non-coding transcript variant (2).
Genome position (GRCh38, 1-based): chr2:232,130,658, C>A. VCF-style: chr2-232130658-C-A. GRCh37 (hg19) VCF-style: chr2-232995368-C-A.
Other names: c.641C>A, p.Thr214Asn (NM_001257281.2, NM_001257282.2); short protein forms T214N.
Identifiers: ClinVar variation 1021286 (VCV001021286.8), dbSNP rs1698189740, ClinGen allele CA351153167.

ClinVar aggregate classification (germline): Uncertain significance. Review status: criteria provided, multiple submitters, no conflicts (2 of 4 stars). 2 submissions from 2 submitters: Uncertain significance (2). Last evaluated 2024-12-11.

Conditions:
Perlman syndrome (PRLMNS). Identifiers: Orphanet 2849, MedGen C0796113, MONDO:0009965, OMIM 267000.

Allele frequency attached by ClinVar (database versions not stated): gnomAD 0.00001.
gnomAD v4.1: 3 of 1,613,504 alleles (0.00019%); highest among the groups gnomAD compares: Admixed American, 0.0017%; no homozygotes.

Submissions (2):

Dasa
Classification: Uncertain significance. Last evaluated: 2024-12-11. Review status: criteria provided, single submitter. Criteria: DASA Assertion Criteria. Collection method: clinical testing. Allele origin: germline.
Comment: NM_152383.5(DIS3L2):c.641C>A (p.Thr214Asn) is a missense variant that results in the substitution of threonine with asparagine. This variant is rare in population databases. Computational prediction algorithms are consistent with a benign effect. The currently available literature and clinical evidence are not sufficient to establish a definitive association between this variant and the reported condition. Therefore, this variant is classified as a variant of uncertain significance.

Labcorp Genetics (formerly Invitae), Labcorp
Classification: Uncertain significance for Perlman syndrome. Last evaluated: 2022-08-15. Review status: criteria provided, single submitter. Criteria: Invitae Variant Classification Sherloc (09022015). Collection method: clinical testing. Allele origin: germline.
Comment: This sequence change replaces threonine, which is neutral and polar, with asparagine, which is neutral and polar, at codon 214 of the DIS3L2 protein (p.Thr214Asn). This variant is not present in population databases (gnomAD no frequency). This variant has not been reported in the literature in individuals affected with DIS3L2-related conditions. ClinVar contains an entry for this variant (Variation ID: 1021286). Algorithms developed to predict the effect of missense changes on protein structure and function output the following: SIFT: "Tolerated"; PolyPhen-2: "Benign"; Align-GVGD: "Class C0". The asparagine amino acid residue is found in multiple mammalian species, which suggests that this missense change does not adversely affect protein function. In summary, the available evidence is currently insufficient to determine the role of this variant in disease. Therefore, it has been classified as a Variant of Uncertain Significance.